The following is an entry in ClinVar:

ClinVar aggregate classification (germline): Uncertain significance (1 of 4 stars; one submission).

Submission:

GeneDx
Classification: Uncertain significance. Last evaluated: 2023-02-06. Review status: criteria provided, single submitter. Criteria: GeneDx Variant Classification Process June 2021. Collection method: clinical testing. Allele origin: germline. Affected: yes.
Comment: In-frame deletion of 1 amino acid in a non-repeat region; Not observed at significant frequency in large population cohorts (gnomAD); In silico analysis supports a deleterious effect on protein structure/function; Has not been previously published as pathogenic or benign to our knowledge

NM_052876.4(NACC1):c.843GGA[1] (p.Glu282del)

Gene: NACC1 (nucleus accumbens associated 1; plus strand). Cytogenetic location: 19p13.13.
Variant type: Microsatellite.
Coding change: c.843GGA[1] on transcript NM_052876.4 (MANE Select); one copy of the 3-base unit GGA starting at c.843; the reference has two copies in a row; one copy, 3 bases deleted.
Protein change: p.Glu282del; deletes glutamic acid 282.
Molecular consequence: inframe deletion.
Genome position (GRCh38, 1-based): chr19:13,136,053-13,136,055, GGA deleted; deleting any 3 consecutive bases within chr19:13,136,048-13,136,055 gives the same sequence; the position shown is the placement nearest the transcript's 3' end. VCF-style (leftmost placement, unchanged base first): chr19-13136047-TGAG-T. GRCh37 (hg19) VCF-style: chr19-13246861-TGAG-T.
Other names: short protein forms E282del.
Identifiers: ClinVar variation 2574952 (VCV002574952.1), dbSNP rs2513136301, ClinGen allele CA2576641113.